The following is an entry in ClinVar:

ClinVar aggregate classification (germline): Uncertain significance (1 of 4 stars; one submission).

Conditions:
HYPERHOMOCYSTEINEMIA, THROMBOTIC, CBS-RELATED. Identifiers: MedGen C3150344, OMIM 236200.

Allele frequency attached by ClinVar (database versions not stated): gnomAD exomes 0.00001; ExAC 0.00002.

Submission:

Labcorp Genetics (formerly Invitae), Labcorp
Classification: Uncertain significance for HYPERHOMOCYSTEINEMIA, THROMBOTIC, CBS-RELATED. Last evaluated: 2025-07-10. Review status: criteria provided, single submitter. Criteria: Invitae Variant Classification Sherloc (09022015). Collection method: clinical testing. Allele origin: germline.
Comment: This sequence change replaces arginine, which is basic and polar, with tryptophan, which is neutral and slightly polar, at codon 58 of the CBS protein (p.Arg58Trp). This variant is present in population databases (rs555959266, gnomAD 0.003%). This missense change has been observed in individual(s) with homocysteinuria (PMID: 10408774). ClinVar contains an entry for this variant (Variation ID: 1465493). Invitae Evidence Modeling of protein sequence and biophysical properties (such as structural, functional, and spatial information, amino acid conservation, physicochemical variation, residue mobility, and thermodynamic stability) has been performed for this missense variant. However, the output from this modeling did not meet the statistical confidence thresholds required to predict the impact of this variant on CBS protein function. Experimental studies have shown that this missense change affects CBS function (PMID: 10338090, 10408774). In summary, the available evidence is currently insufficient to determine the role of this variant in disease. Therefore, it has been classified as a Variant of Uncertain Significance.

Literature cited by the submitters: PubMed 10408774; PubMed 10338090.

NM_000071.3(CBS):c.172C>T (p.Arg58Trp)

Gene: CBS (cystathionine beta-synthase; minus strand). Cytogenetic location: 21q22.3.
Variant type: single nucleotide variant.
Coding change: c.172C>T on transcript NM_000071.3 (MANE Select); coding-DNA position 172, C replaced by T.
Protein change: p.Arg58Trp; replaces arginine 58 with tryptophan.
Molecular consequence: missense variant.
Genome position (GRCh38, 1-based): chr21:43,072,022, G>A on the plus strand (C>T on the coding strand, the complement: CBS is on the minus strand). VCF-style: chr21-43072022-G-A. GRCh37 (hg19) VCF-style: chr21-44492132-G-A.
Other names: c.172C>T, p.Arg58Trp (NM_001178008.3, NM_001178009.3, NM_001320298.2); short protein forms R58W.
Identifiers: ClinVar variation 1465493 (VCV001465493.6), dbSNP rs555959266, ClinGen allele CA321103816.
Genomic context (GRCh38, chr21:43,072,022, plus strand): 5'-TTGTGATCAAAAGCAGGACTTACGGGGCAGTGTGGTGATGTGGGGACTCGGAGGCAGGCC[G>A]GCCCAGCTGCCAGGTGCACCTGCTCGGAGCATCGGGCCGGATCCACAGGGGCTCCTTGGC-3'
Protein context (NP_000062.1, residues 48-68): APSRCTWQLG[Arg58Trp]PASESPHHHT